The following is an entry in ClinVar:

ClinVar aggregate classification (germline): Uncertain significance (1 of 4 stars; one submission).

Conditions:
Inborn genetic diseases. Identifiers: MedGen C0950123, MeSH D030342.

Allele frequency attached by ClinVar (database versions not stated): ExAC 0.00001; gnomAD 0.00001.
gnomAD v4.1: 10 of 1,613,824 alleles (0.00062%); highest among the groups gnomAD compares: East Asian, 0.0089%; no homozygotes.

Submission:

Ambry Genetics
Classification: Uncertain significance for Inborn genetic diseases. Last evaluated: 2022-03-14. Review status: criteria provided, single submitter. Criteria: Ambry Variant Classification Scheme 2023. Collection method: clinical testing. Allele origin: germline.
Comment: The p.N759D variant (also known as c.2275A>G), located in coding exon 14 of the EPAS1 gene, results from an A to G substitution at nucleotide position 2275. The asparagine at codon 759 is replaced by aspartic acid, an amino acid with highly similar properties. This amino acid position is conserved. In addition, this alteration is predicted to be tolerated by in silico analysis. Since supporting evidence is limited at this time, the clinical significance of this alteration remains unclear.

NM_001430.5(EPAS1):c.2275A>G (p.Asn759Asp)

Gene: EPAS1 (endothelial PAS domain protein 1; plus strand). Cytogenetic location: 2p21.
Variant type: single nucleotide variant.
Coding change: c.2275A>G on transcript NM_001430.5 (MANE Select); coding-DNA position 2275, A replaced by G.
Protein change: p.Asn759Asp; replaces asparagine 759 with aspartic acid.
Molecular consequence: missense variant.
Genome position (GRCh38, 1-based): chr2:46,382,077, A>G. VCF-style: chr2-46382077-A-G. GRCh37 (hg19) VCF-style: chr2-46609216-A-G.
Other names: short protein forms N759D.
Identifiers: ClinVar variation 1788844 (VCV001788844.2), dbSNP rs773061058, ClinGen allele CA1645282.